The following is an entry in ClinVar:

NM_001195248.2(APTX):c.483+91C>T

Gene: APTX (aprataxin; minus strand). Cytogenetic location: 9p21.1.
Variant type: single nucleotide variant.
Coding change: c.483+91C>T on transcript NM_001195248.2 (MANE Select); 91 bases into the intron after coding-DNA position 483, C replaced by T.
Molecular consequence: intron variant.
Genome position (GRCh38, 1-based): chr9:32,987,453, G>A on the plus strand (C>T on the coding strand, the complement: APTX is on the minus strand). VCF-style: chr9-32987453-G-A. GRCh37 (hg19) VCF-style: chr9-32987451-G-A.
Other names: NC_000009.11:g.32987451G>A; c.321+91C>T (NM_001369001.1, NM_001369000.1, NM_001195250.2 and 1 more transcripts); c.483+91C>T (NM_001368996.1, NM_001368995.1, NM_001368997.1 and 6 more transcripts); c.219+91C>T (NM_001369002.1, NM_001369003.1, NM_001369004.1 and 5 more transcripts); c.267+307C>T (NM_001195252.2).
Identifiers: ClinVar variation 1290675 (VCV001290675.6), dbSNP rs884546, ClinGen allele CA15590710.

ClinVar aggregate classification (germline): Benign. Review status: criteria provided, multiple submitters, no conflicts (2 of 4 stars). 3 submissions from 3 submitters: Benign (3). Last evaluated 2024-07-31.

Allele frequency attached by ClinVar (database versions not stated): 1000 Genomes Project 0.13678; 1000 Genomes Project 30x 0.14257; TOPMed 0.19196.
gnomAD v4.1: 317,729 of 1,511,114 alleles (21%); highest among the groups gnomAD compares: Middle Eastern, 27%; 35,649 homozygotes.

Submissions (6):

Unidad de Genómica Garrahan, Hospital de Pediatría Garrahan
Classification: Benign. Last evaluated: 2024-07-31. Review status: criteria provided, single submitter. Criteria: ACMG Guidelines, 2015. Collection method: clinical testing. Allele origin: germline. Affected: no. Observed: 28 variant alleles.
Comment: This variant is classified as Benign based on local population frequency. This variant was detected in 30% of patients studied in a panel designed for Epileptic and Developmental Encephalopathy, Progressive Myoclonus Epilepsy and Abnormal Movements and Neurodegeneration with brain iron accumulation. Number of patients: 28. Only high quality variants are reported.

GeneDx
Classification: Benign. Last evaluated: 2018-06-23. Review status: criteria provided, single submitter. Criteria: GeneDx Variant Classification Process June 2021. Collection method: clinical testing. Allele origin: germline. Affected: yes.

Breakthrough Genomics
Classification: Benign. Review status: criteria provided, single submitter. Criteria: ACMG Guidelines, 2015. Collection method: not provided. Allele origin: germline. Inheritance: Autosomal recessive inheritance. Affected: yes.

Dr. Peter K. Rogan Lab, Western University
No classification provided (evidence only). Condition: Familial cancer of breast. Review status: no classification provided. Collection method: in vitro. Allele origin: not applicable. Functional consequence: retained intron. Not counted in ClinVar's aggregate classification.

Dr. Peter K. Rogan Lab, Western University
No classification provided (evidence only). Condition: Malignant lymphoma, large B-cell, diffuse. Review status: no classification provided. Collection method: in vitro. Allele origin: not applicable. Functional consequence: retained intron. Not counted in ClinVar's aggregate classification.

Dr. Peter K. Rogan Lab, Western University
No classification provided (evidence only). Condition: Uterine carcinosarcoma. Review status: no classification provided. Collection method: in vitro. Allele origin: not applicable. Functional consequence: retained intron. Not counted in ClinVar's aggregate classification.